The following is an entry in ClinVar:

NM_001199107.2(TBC1D24):c.792C>T (p.Ser264=)

Gene: TBC1D24 (TBC1 domain family member 24; plus strand). Cytogenetic location: 16p13.3.
Variant type: single nucleotide variant.
Coding change: c.792C>T on transcript NM_001199107.2 (MANE Select); coding-DNA position 792, C replaced by T.
Protein change: p.Ser264=; no amino-acid change (serine 264 retained).
Molecular consequence: synonymous variant.
Genome position (GRCh38, 1-based): chr16:2,496,940, C>T. VCF-style: chr16-2496940-C-T. GRCh37 (hg19) VCF-style: chr16-2546941-C-T.
Other names: c.792C>T, p.Ser264= (NM_020705.3).
Identifiers: ClinVar variation 517521 (VCV000517521.16), dbSNP rs769290045, ClinGen allele CA7844070.

ClinVar aggregate classification (germline): Likely benign. Review status: criteria provided, multiple submitters, no conflicts (2 of 4 stars). 2 submissions from 2 submitters: Likely benign (2). Last evaluated 2022-09-06.

Conditions:
Developmental and epileptic encephalopathy, 1 (DEE1). Also called: X-linked infantile spasms; West's syndrome; Tonic spasms with clustering, arrest of psychomotor development and hypsarrhythmia on EEG; X-Linked Infantile Spasm Syndrome; OHTAHARA SYNDROME, X-LINKED; Epileptic encephalopathy, early infantile, 1. Identifiers: MedGen C3463992, MONDO:0010632, OMIM 308350. Disease mechanism: loss of function.
Autosomal dominant nonsyndromic hearing loss 65. Also called: Deafness, autosomal dominant 65; TBC1D24-Related Autosomal Dominant Nonsyndromic Hearing Loss (DFNA). Identifiers: Orphanet 90635, MedGen C3892048, MONDO:0014470, OMIM 616044.

Allele frequency attached by ClinVar (database versions not stated): gnomAD exomes 0.00001; ExAC 0.00001.

Submissions (2):

Labcorp Genetics (formerly Invitae), Labcorp
Classification: Likely benign for Developmental and epileptic encephalopathy, 1; Autosomal dominant nonsyndromic hearing loss 65. Last evaluated: 2022-09-06. Review status: criteria provided, single submitter. Criteria: Invitae Variant Classification Sherloc (09022015). Collection method: clinical testing. Allele origin: germline.

Laboratory for Molecular Medicine, Mass General Brigham Personalized Medicine
Classification: Likely benign. Last evaluated: 2017-08-17. Review status: criteria provided, single submitter. Criteria: LMM Criteria. Collection method: clinical testing. Allele origin: germline. Observed: 1 variant allele.
Comment: p.Ser264Ser in exon 2 of TBC1D24: This variant is not expected to have clinical significance because it does not alter an amino acid residue and is not located within the splice consensus sequence.